The following is an entry in ClinVar:

ClinVar aggregate classification (germline): Benign. Review status: criteria provided, multiple submitters, no conflicts (2 of 4 stars). 2 submissions from 2 submitters: Benign (2). Last evaluated 2018-01-13.

Conditions:
Jalili syndrome. Also called: CONE-ROD DYSTROPHY AND AMELOGENESIS IMPERFECTA. Identifiers: Orphanet 1873, MedGen C3495589, MONDO:0009007, OMIM 217080.

Allele frequency attached by ClinVar (database versions not stated): 1000 Genomes Project 30x 0.32464; TOPMed 0.29833; 1000 Genomes Project 0.31629; gnomAD exomes 0.07075; gnomAD 0.27257 and 0.28467.
gnomAD v4.1: 41,290 of 152,598 alleles (27%); highest among the groups gnomAD compares: African/African-American, 72%; 11,685 homozygotes.

Submissions (2):

Illumina Laboratory Services, Illumina
Classification: Benign for Jalili syndrome. Last evaluated: 2018-01-13. Review status: criteria provided, single submitter. Criteria: ICSL Variant Classification Criteria 13 December 2019. Collection method: clinical testing. Allele origin: germline.
Comment: This variant was observed in the ICSL laboratory as part of a predisposition screen in an ostensibly healthy population. It had not been previously curated by ICSL or reported in the Human Gene Mutation Database (HGMD: prior to June 1st, 2018), and was therefore a candidate for classification through an automated scoring system. Utilizing variant allele frequency, disease prevalence and penetrance estimates, and inheritance mode, an automated score was calculated to assess if this variant is too frequent to cause the disease. Based on the score and internal cut-off values, a variant classified as benign is not then subjected to further curation. The score for this variant resulted in a classification of benign for this disease.

Breakthrough Genomics
Classification: Benign. Review status: criteria provided, single submitter. Criteria: ACMG Guidelines, 2015. Collection method: not provided. Allele origin: germline. Inheritance: Autosomal recessive inheritance. Affected: yes.

NM_020184.4(CNNM4):c.*2120C>T

Gene: CNNM4 (cyclin and CBS domain divalent metal cation transport mediator 4; plus strand). Cytogenetic location: 2q11.2.
Variant type: single nucleotide variant.
Coding change: c.*2120C>T on transcript NM_020184.4 (MANE Select); 2120 bases downstream of the stop codon, C replaced by T.
Molecular consequence: 3 prime UTR variant.
Genome position (GRCh38, 1-based): chr2:96,811,637, C>T. VCF-style: chr2-96811637-C-T. GRCh37 (hg19) VCF-style: chr2-97477374-C-T.
Identifiers: ClinVar variation 337618 (VCV000337618.6), dbSNP rs12846, ClinGen allele CA10614268.